The following is an entry in ClinVar:

NM_004655.4(AXIN2):c.1833G>C (p.Glu611Asp)

Gene: AXIN2 (axin 2; minus strand). Cytogenetic location: 17q24.1.
Variant type: single nucleotide variant.
Coding change: c.1833G>C on transcript NM_004655.4 (MANE Select); coding-DNA position 1833, G replaced by C.
Protein change: p.Glu611Asp; replaces glutamic acid 611 with aspartic acid.
Molecular consequence: missense variant. On other transcripts: intron variant (1).
Genome position (GRCh38, 1-based): chr17:65,536,943, C>G on the plus strand (G>C on the coding strand, the complement: AXIN2 is on the minus strand). VCF-style: chr17-65536943-C-G. GRCh37 (hg19) VCF-style: chr17-63533061-C-G.
Other names: c.1712+381G>C (NM_001363813.1); short protein forms E611D.
Identifiers: ClinVar variation 3258292 (VCV003258292.1).

ClinVar aggregate classification (germline): Uncertain significance (1 of 4 stars; one submission).

Conditions:
Hereditary cancer-predisposing syndrome. Also called: Hereditary Cancer Syndrome; Tumor predisposition; Hereditary neoplastic syndrome; Neoplastic Syndromes, Hereditary. Identifiers: Orphanet 140162, MedGen C0027672, MeSH D009386, MONDO:0015356.

Submission:

Ambry Genetics
Classification: Uncertain significance for Hereditary cancer-predisposing syndrome. Last evaluated: 2024-06-18. Review status: criteria provided, single submitter. Criteria: Ambry Variant Classification Scheme 2023. Collection method: clinical testing. Allele origin: germline.
Comment: The p.E611D variant (also known as c.1833G>C), located in coding exon 6 of the AXIN2 gene, results from a G to C substitution at nucleotide position 1833. The glutamic acid at codon 611 is replaced by aspartic acid, an amino acid with highly similar properties. This amino acid position is conserved. In addition, this alteration is predicted to be tolerated by in silico analysis. Based on the available evidence, the clinical significance of this variant remains unclear.